The following is an entry in ClinVar:

ClinVar aggregate classification (germline): Uncertain significance (1 of 4 stars; one submission).

Conditions:
Familial adenomatous polyposis 1 (FAP1). Also called: FAMILIAL ADENOMATOUS POLYPOSIS 1, ATTENUATED; POLYPOSIS, ADENOMATOUS INTESTINAL. Identifiers: MedGen C2713442, MONDO:0021056, OMIM 175100. Disease mechanism: loss of function.

Submission:

Labcorp Genetics (formerly Invitae), Labcorp
Classification: Uncertain significance for Familial adenomatous polyposis 1. Last evaluated: 2025-08-09. Review status: criteria provided, single submitter. Criteria: Invitae Variant Classification Sherloc (09022015). Collection method: clinical testing. Allele origin: germline.
Comment: This sequence change replaces threonine, which is neutral and polar, with arginine, which is basic and polar, at codon 2348 of the APC protein (p.Thr2348Arg). This variant is not present in population databases (gnomAD no frequency). This variant has not been reported in the literature in individuals affected with APC-related conditions. ClinVar contains an entry for this variant (Variation ID: 2793583). Invitae Evidence Modeling of protein sequence and biophysical properties (such as structural, functional, and spatial information, amino acid conservation, physicochemical variation, residue mobility, and thermodynamic stability) indicates that this missense variant is not expected to disrupt APC protein function with a negative predictive value of 95%. In summary, the available evidence is currently insufficient to determine the role of this variant in disease. Therefore, it has been classified as a Variant of Uncertain Significance.

NM_000038.6(APC):c.7043C>G (p.Thr2348Arg)

Gene: APC (APC regulator of Wnt signaling pathway; plus strand). Cytogenetic location: 5q22.2.
Variant type: single nucleotide variant.
Coding change: c.7043C>G on transcript NM_000038.6 (MANE Select); coding-DNA position 7043, C replaced by G.
Protein change: p.Thr2348Arg; replaces threonine 2348 with arginine.
Molecular consequence: missense variant. On other transcripts: non-coding transcript variant (2).
Genome position (GRCh38, 1-based): chr5:112,842,637, C>G. VCF-style: chr5-112842637-C-G. GRCh37 (hg19) VCF-style: chr5-112178334-C-G.
Other names: c.7043C>G, p.Thr2348Arg (NM_001127510.3, NM_001354895.2, NM_001407450.1); c.6989C>G, p.Thr2330Arg (NM_001127511.3); c.7097C>G, p.Thr2366Arg (NM_001354896.2, NM_001407447.1, NM_001407448.1 and 1 more transcripts); c.7073C>G, p.Thr2358Arg (NM_001354897.2); c.6968C>G, p.Thr2323Arg (NM_001354898.2); c.6959C>G, p.Thr2320Arg (NM_001354899.2); c.6920C>G, p.Thr2307Arg (NM_001354900.2); c.6866C>G, p.Thr2289Arg (NM_001354901.2, NM_001407453.1); and 11 more; short protein forms T2366R, T2376R, T2219R, T2323R, T2341R, T2188R, T2257R, T2307R.
Identifiers: ClinVar variation 2793583 (VCV002793583.3), dbSNP rs1060503342, ClinGen allele CA16036683.
Genomic context (GRCh38, chr5:112,842,637, plus strand): 5'-CAATTTCCCCTGGTAGAAATGGAATAAGTCCTCCTAACAAATTATCTCAACTTCCAAGGA[C>G]ATCATCCCCTAGTACTGCTTCAACTAAGTCCTCAGGTTCTGGAAAAATGTCATATACATC-3'
Protein context (NP_000029.2, residues 2338-2358): PPNKLSQLPR[Thr2348Arg]SSPSTASTKS